The following is an entry in ClinVar:

NM_005902.4(SMAD3):c.358G>T (p.Val120Phe)

Gene: SMAD3 (SMAD family member 3; plus strand). Cytogenetic location: 15q22.33.
Variant type: single nucleotide variant.
Coding change: c.358G>T on transcript NM_005902.4 (MANE Select); coding-DNA position 358, G replaced by T.
Protein change: p.Val120Phe; replaces valine 120 with phenylalanine.
Molecular consequence: missense variant.
Genome position (GRCh38, 1-based): chr15:67,165,046, G>T. VCF-style: chr15-67165046-G-T. GRCh37 (hg19) VCF-style: chr15-67457384-G-T.
Other names: c.43G>T, p.Val15Phe (NM_001145102.2, NM_001407015.1, NM_001407016.1); c.226G>T, p.Val76Phe (NM_001145103.2); c.358G>T, p.Val120Phe (NM_001407011.1, NM_001407012.1, NM_001407013.1); c.211G>T, p.Val71Phe (NM_001407014.1); short protein forms V76F, V15F, V71F, V120F.
Identifiers: ClinVar variation 2977147 (VCV002977147.3), dbSNP rs2505210842, ClinGen allele CA392954122.

ClinVar aggregate classification (germline): Uncertain significance (1 of 4 stars; one submission).

Conditions:
Familial thoracic aortic aneurysm and aortic dissection (TAAD). Also called: Thoracic aortic aneurysms and dissections. Identifiers: Orphanet 91387, MedGen C4707243, MONDO:0019625.

Submission:

Labcorp Genetics (formerly Invitae), Labcorp
Classification: Uncertain significance for Familial thoracic aortic aneurysm and aortic dissection. Last evaluated: 2024-03-02. Review status: criteria provided, single submitter. Criteria: Invitae Variant Classification Sherloc (09022015). Collection method: clinical testing. Allele origin: germline.
Comment: This sequence change replaces valine, which is neutral and non-polar, with phenylalanine, which is neutral and non-polar, at codon 120 of the SMAD3 protein (p.Val120Phe). This variant is not present in population databases (gnomAD no frequency). This variant has not been reported in the literature in individuals affected with SMAD3-related conditions. Advanced modeling of protein sequence and biophysical properties (such as structural, functional, and spatial information, amino acid conservation, physicochemical variation, residue mobility, and thermodynamic stability) performed at Invitae indicates that this missense variant is expected to disrupt SMAD3 protein function with a positive predictive value of 80%. In summary, the available evidence is currently insufficient to determine the role of this variant in disease. Therefore, it has been classified as a Variant of Uncertain Significance.